The following is an entry in ClinVar:

NM_000053.4(ATP7B):c.3368C>T (p.Pro1123Leu)

Gene: ATP7B (ATPase copper transporting beta; minus strand). Cytogenetic location: 13q14.3.
Variant type: single nucleotide variant.
Coding change: c.3368C>T on transcript NM_000053.4 (MANE Select); coding-DNA position 3368, C replaced by T.
Protein change: p.Pro1123Leu; replaces proline 1123 with leucine.
Molecular consequence: missense variant.
Genome position (GRCh38, 1-based): chr13:51,942,430, G>A on the plus strand (C>T on the coding strand, the complement: ATP7B is on the minus strand). VCF-style: chr13-51942430-G-A. GRCh37 (hg19) VCF-style: chr13-52516566-G-A.
Other names: p.Pro1123Leu; c.2747C>T, p.Pro916Leu (NM_001005918.3); c.3035C>T, p.Pro1012Leu (NM_001243182.2); c.3134C>T, p.Pro1045Leu (NM_001330578.2); c.3116C>T, p.Pro1039Leu (NM_001330579.2); short protein forms P1012L, P1039L, P1123L, P916L, P1045L.
Identifiers: ClinVar variation 810698 (VCV000810698.61), dbSNP rs146623472, ClinGen allele CA6988722.
Genomic context (GRCh38, chr13:51,942,430, plus strand): 5'-CAAAAGCCAGCAATACCTTTTTCTGCGGGAAGGCTGCCAGCCTCATTCAGGTGACTGGCC[G>A]GTGCACTCAAAGGGCGCTCACTGTGGGCCAGGATGCCTTCCACGTTGCTGACTTTGCACC-3'
Protein context (NP_000044.2, residues 1113-1133): LAHSERPLSA[Pro1123Leu]ASHLNEAGSL

ClinVar aggregate classification (germline): Conflicting classifications of pathogenicity. Review status: criteria provided, conflicting classifications (1 of 4 stars). 14 submissions from 14 submitters: Uncertain significance (10); Likely benign (1). 3 of the submissions do not count toward it. Last evaluated 2026-05-22.

Conditions:
ATP7B-related disorder. Also called: ATP7B-related condition.
Wilson disease (WND). Also called: Wilson's disease. Identifiers: Orphanet 905, MedGen C0019202, MONDO:0010200, OMIM 277900. Disease mechanism: loss of function.

Allele frequency attached by ClinVar (database versions not stated): 1000 Genomes Project 30x 0.00016; gnomAD exomes 0.00020 and 0.00031; ExAC 0.00021; ESP Exome Variant Server 0.00024; TOPMed 0.00024; gnomAD 0.00025 and 0.00026.
gnomAD v4.1: 489 of 1,614,214 alleles (0.03%); highest among the groups gnomAD compares: Non-Finnish European, 0.037%; 2 homozygotes.

Submissions (14):

PreventionGenetics, part of Exact Sciences
Classification: Uncertain significance for ATP7B-related condition. Last evaluated: 2026-05-22. Review status: criteria provided, single submitter. Criteria: ACMG Guidelines, 2015. Collection method: clinical testing. Allele origin: germline.
Comment: The ATP7B c.3368C>T variant is predicted to result in the amino acid substitution p.Pro1123Leu. This variant was reported in individuals with Wilson disease (Li et al. 2021. PubMed ID: 34470610; Dong et al. 2016. PubMed ID: 27022412). This variant is reported in 0.030% of alleles in individuals of European (Non-Finnish) descent in gnomAD. At this time, the clinical significance of this variant is uncertain due to the absence of conclusive functional and genetic evidence.

Color Diagnostics, LLC DBA Color Health
Classification: Likely benign for Wilson disease. Last evaluated: 2025-06-19. Review status: criteria provided, single submitter. Criteria: ACMG Guidelines, 2015. Collection method: clinical testing. Allele origin: germline.

All of Us Research Program, National Institutes of Health
Classification: Uncertain significance for Wilson disease. Last evaluated: 2024-09-23. Review status: criteria provided, single submitter. Criteria: ACMG Guidelines, 2015. Collection method: clinical testing. Allele origin: germline. Inheritance: Autosomal recessive inheritance. Observed: 62 variant alleles, 62 heterozygotes.
Comment: This missense variant replaces proline with leucine at codon 1123 of the ATP7B protein. Computational prediction suggests that this variant may not impact protein structure and function (internally defined REVEL score threshold <= 0.5, PMID: 27666373). To our knowledge, functional studies have not been reported for this variant. This variant has been reported in an individual affected with Wilson disease (PMID: 27022412). This variant has been identified in 54/280952 chromosomes in the general population by the Genome Aggregation Database (gnomAD). The available evidence is insufficient to determine the role of this variant in disease conclusively. Therefore, this variant is classified as a Variant of Uncertain Significance.

This study involves interpretation of variants in research participants for the purpose of population health screening. Participant phenotype was not available at the time of variant classification. Additional details can be found in publication PMID: 35346344, PMCID: PMC8962531

Blueprint Genetics
Classification: Uncertain significance. Last evaluated: 2024-09-20. Review status: criteria provided, single submitter. Criteria: ACMG Guidelines, 2015. Collection method: clinical testing. Allele origin: germline.

Mayo Clinic Laboratories, Mayo Clinic
Classification: Uncertain significance. Last evaluated: 2024-07-16. Review status: criteria provided, single submitter. Criteria: ACMG Guidelines, 2015. Collection method: clinical testing. Allele origin: germline. Observed: 2 variant alleles.
Comment: BP4, PM2

Fulgent Genetics
Classification: Uncertain significance for Wilson disease. Last evaluated: 2024-02-08. Review status: criteria provided, single submitter. Criteria: ACMG Guidelines, 2015. Collection method: clinical testing. Allele origin: germline.

GeneDx
Classification: Uncertain significance. Last evaluated: 2024-02-08. Review status: criteria provided, single submitter. Criteria: GeneDx Variant Classification Process June 2021. Collection method: clinical testing. Allele origin: germline. Affected: yes.
Comment: Identified in an individual with Wilson disease who did not have a second variant identified in the ATP7B gene (Dong et al., 2016); In silico analysis supports that this missense variant does not alter protein structure/function; This variant is associated with the following publications: (PMID: 34470610, 27022412)

Labcorp Genetics (formerly Invitae), Labcorp
Classification: Uncertain significance for Wilson disease. Last evaluated: 2022-10-25. Review status: criteria provided, single submitter. Criteria: Invitae Variant Classification Sherloc (09022015). Collection method: clinical testing. Allele origin: germline.
Comment: This sequence change replaces proline, which is neutral and non-polar, with leucine, which is neutral and non-polar, at codon 1123 of the ATP7B protein (p.Pro1123Leu). This variant is present in population databases (rs146623472, gnomAD 0.03%). This missense change has been observed in individual(s) with Wilson disease (PMID: 27022412). ClinVar contains an entry for this variant (Variation ID: 810698). Advanced modeling of protein sequence and biophysical properties (such as structural, functional, and spatial information, amino acid conservation, physicochemical variation, residue mobility, and thermodynamic stability) performed at Invitae indicates that this missense variant is not expected to disrupt ATP7B protein function. In summary, the available evidence is currently insufficient to determine the role of this variant in disease. Therefore, it has been classified as a Variant of Uncertain Significance.

Genome-Nilou Lab
Classification: Uncertain significance for Wilson disease. Last evaluated: 2021-09-05. Review status: criteria provided, single submitter. Criteria: ACMG Guidelines, 2015. Collection method: clinical testing. Allele origin: germline. Affected: no.

CeGaT Center for Human Genetics Tuebingen
Classification: Uncertain significance. Last evaluated: 2019-10-01. Review status: criteria provided, single submitter. Criteria: CeGaT Center For Human Genetics Tuebingen Variant Classification Criteria Version 2. Collection method: clinical testing. Allele origin: germline. Affected: yes. Observed: 1 variant allele.

Illumina Laboratory Services, Illumina
Classification: Uncertain significance for Wilson disease. Last evaluated: 2017-04-27. Review status: criteria provided, single submitter. Criteria: ICSL Variant Classification Criteria 13 December 2019. Collection method: clinical testing. Allele origin: germline.

Natera, Inc.
Classification: Uncertain significance for Wilson disease. Last evaluated: 2020-02-27. Review status: no assertion criteria provided. Collection method: clinical testing. Allele origin: germline. Not counted in ClinVar's aggregate classification.

Clinical Genetics DNA and cytogenetics Diagnostics Lab, Erasmus MC, Erasmus Medical Center
Classification: Likely benign. Review status: no assertion criteria provided. Collection method: clinical testing. Allele origin: germline. Affected: yes. Study: VKGL Data-share Consensus. Not counted in ClinVar's aggregate classification.

Genome Diagnostics Laboratory, Amsterdam University Medical Center
Classification: Likely benign. Review status: no assertion criteria provided. Collection method: clinical testing. Allele origin: germline. Affected: yes. Study: VKGL Data-share Consensus. Not counted in ClinVar's aggregate classification.

Literature cited by the submitters: PubMed 27022412 (cited by 3 submitters); PubMed 34470610 (cited by Mayo Clinic Laboratories, Mayo Clinic).